The following is an entry in ClinVar:

NM_012463.4(ATP6V0A2):c.1351C>T (p.Arg451Trp)

Gene: ATP6V0A2 (ATPase H+ transporting V0 subunit a2; plus strand). Cytogenetic location: 12q24.31.
Variant type: single nucleotide variant.
Coding change: c.1351C>T on transcript NM_012463.4 (MANE Select); coding-DNA position 1351, C replaced by T.
Protein change: p.Arg451Trp; replaces arginine 451 with tryptophan.
Molecular consequence: missense variant.
Genome position (GRCh38, 1-based): chr12:123,744,621, C>T. VCF-style: chr12-123744621-C-T. GRCh37 (hg19) VCF-style: chr12-124229168-C-T.
Other names: short protein forms R451W.
Identifiers: ClinVar variation 1471061 (VCV001471061.7), dbSNP rs907470146, ClinGen allele CA245200679.

ClinVar aggregate classification (germline): Uncertain significance. Review status: criteria provided, multiple submitters, no conflicts (2 of 4 stars). 2 submissions from 2 submitters: Uncertain significance (2). Last evaluated 2025-01-27.

Conditions:
ALG9 congenital disorder of glycosylation (CDG1L). Also called: CDG Il; ALG9-CDG; CONGENITAL DISORDER OF GLYCOSYLATION, TYPE Il. Identifiers: Orphanet 79328, MedGen C2931006, MONDO:0012117, OMIM 608776.

Allele frequency attached by ClinVar (database versions not stated): gnomAD 0.00001; gnomAD exomes 0.00001; TOPMed 0.00001.
gnomAD v4.1: 11 of 1,613,246 alleles (0.00068%); highest among the groups gnomAD compares: East Asian, 0.0022%; no homozygotes.

Submissions (2):

Women's Health and Genetics/Laboratory Corporation of America, LabCorp
Classification: Uncertain significance. Last evaluated: 2025-01-27. Review status: criteria provided, single submitter. Criteria: LabCorp Variant Classification Summary - May 2015. Collection method: clinical testing. Allele origin: germline.
Comment: Variant summary: ATP6V0A2 c.1351C>T (p.Arg451Trp) results in a non-conservative amino acid change in the encoded protein sequence. Five of five in-silico tools predict a damaging effect of the variant on protein function. The variant was absent in 251458 control chromosomes. The available data on variant occurrences in the general population are insufficient to allow any conclusion about variant significance. c.1351C>T has been reported in the literature in individuals affected with Cutis Laxa - ATP6V0A2 Related (Jones_2013). These data do not allow any conclusion about variant significance. To our knowledge, no experimental evidence demonstrating an impact on protein function has been reported. The following publication have been ascertained in the context of this evaluation (PMID: 23806237). ClinVar contains an entry for this variant (Variation ID: 1471061). Based on the evidence outlined above, the variant was classified as uncertain significance.

Labcorp Genetics (formerly Invitae), Labcorp
Classification: Uncertain significance for ALG9 congenital disorder of glycosylation. Last evaluated: 2021-08-14. Review status: criteria provided, single submitter. Criteria: Invitae Variant Classification Sherloc (09022015). Collection method: clinical testing. Allele origin: germline.
Comment: This sequence change replaces arginine with tryptophan at codon 451 of the ATP6V0A2 protein (p.Arg451Trp). The arginine residue is highly conserved and there is a moderate physicochemical difference between arginine and tryptophan. This variant is not present in population databases (ExAC no frequency). This variant has been observed in individual(s) with cutis laxa (PMID: 23806237). Algorithms developed to predict the effect of missense changes on protein structure and function (SIFT, PolyPhen-2, Align-GVGD) all suggest that this variant is likely to be disruptive. In summary, the available evidence is currently insufficient to determine the role of this variant in disease. Therefore, it has been classified as a Variant of Uncertain Significance.

Literature cited by the submitters: PubMed 23806237 (cited by Women's Health and Genetics/Laboratory Corporation of America, LabCorp and Labcorp Genetics (formerly Invitae), Labcorp).